The following is an entry in ClinVar:

NM_000936.4(PNLIP):c.711C>T (p.Val237=)

Gene: PNLIP (pancreatic lipase; plus strand). Cytogenetic location: 10q25.3.
Variant type: single nucleotide variant.
Coding change: c.711C>T on transcript NM_000936.4 (MANE Select); coding-DNA position 711, C replaced by T.
Protein change: p.Val237=; no amino-acid change (valine 237 retained).
Molecular consequence: synonymous variant.
Genome position (GRCh38, 1-based): chr10:116,555,407, C>T. VCF-style: chr10-116555407-C-T. GRCh37 (hg19) VCF-style: chr10-118314919-C-T.
Other names: c.711C>T (NM_000936.3).
Identifiers: ClinVar variation 2041452 (VCV002041452.5), dbSNP rs112464025, ClinGen allele CA5706585.

ClinVar aggregate classification (germline): Benign. Review status: criteria provided, multiple submitters, no conflicts (2 of 4 stars). 2 submissions from 2 submitters: Benign (2). Last evaluated 2025-12-31.

Conditions:
PNLIP-related disorder. Also called: PNLIP-related condition.

Allele frequency attached by ClinVar (database versions not stated): ExAC 0.00124; 1000 Genomes Project 30x 0.00312; 1000 Genomes Project 0.00319; gnomAD 0.00371; TOPMed 0.00413; ESP Exome Variant Server 0.00531.
gnomAD v4.1: 1,157 of 1,614,122 alleles (0.072%); highest among the groups gnomAD compares: African/African-American, 1.3%; 6 homozygotes.

Submissions (2):

Labcorp Genetics (formerly Invitae), Labcorp
Classification: Benign. Last evaluated: 2025-12-31. Review status: criteria provided, single submitter. Criteria: Invitae Variant Classification Sherloc (09022015). Collection method: clinical testing. Allele origin: germline.

PreventionGenetics, part of Exact Sciences
Classification: Benign for PNLIP-related condition. Last evaluated: 2025-10-21. Review status: criteria provided, single submitter. Criteria: ACMG Guidelines, 2015. Collection method: clinical testing. Allele origin: germline.
Comment: This variant is classified as benign based on ACMG/AMP sequence variant interpretation guidelines (Richards et al. 2015 PMID: 25741868, with internal and published modifications).